The following is an entry in ClinVar:

ClinVar aggregate classification (germline): Uncertain significance. Review status: criteria provided, multiple submitters, no conflicts (2 of 4 stars). 4 submissions from 4 submitters: Uncertain significance (4). Last evaluated 2024-10-28.

Conditions:
Nephronophthisis. Also called: Juvenile Nephronophthisis. Identifiers: Orphanet 655, MedGen C0687120, MONDO:0019005, HP:0000090.
Nephronophthisis 7 (NPHP7). Identifiers: Orphanet 655, MedGen C1969092, MONDO:0012680, OMIM 611498.

Allele frequency attached by ClinVar (database versions not stated): gnomAD exomes 0.00002; gnomAD 0.00005; TOPMed 0.00008.
gnomAD v4.1: 41 of 1,538,224 alleles (0.0027%); highest among the groups gnomAD compares: East Asian, 0.015%; no homozygotes.

Submissions (4):

Blueprint Genetics
Classification: Uncertain significance. Last evaluated: 2024-10-28. Review status: criteria provided, single submitter. Criteria: ACMG Guidelines, 2015. Collection method: clinical testing. Allele origin: germline.

Ambry Genetics
Classification: Uncertain significance. Last evaluated: 2024-09-03. Review status: criteria provided, single submitter. Criteria: Ambry Variant Classification Scheme 2023. Collection method: clinical testing. Allele origin: germline.

Labcorp Genetics (formerly Invitae), Labcorp
Classification: Uncertain significance for Nephronophthisis. Last evaluated: 2022-08-19. Review status: criteria provided, single submitter. Criteria: Invitae Variant Classification Sherloc (09022015). Collection method: clinical testing. Allele origin: germline.
Comment: This sequence change replaces glycine, which is neutral and non-polar, with serine, which is neutral and polar, at codon 377 of the GLIS2 protein (p.Gly377Ser). This variant is present in population databases (rs758967813, gnomAD 0.02%). This variant has not been reported in the literature in individuals affected with GLIS2-related conditions. ClinVar contains an entry for this variant (Variation ID: 1367895). Algorithms developed to predict the effect of missense changes on protein structure and function are either unavailable or do not agree on the potential impact of this missense change (SIFT: "Tolerated"; PolyPhen-2: "Not Available"; Align-GVGD: "Class C0"). Algorithms developed to predict the effect of sequence changes on RNA splicing suggest that this variant may create or strengthen a splice site. In summary, the available evidence is currently insufficient to determine the role of this variant in disease. Therefore, it has been classified as a Variant of Uncertain Significance.

Fulgent Genetics
Classification: Uncertain significance for Nephronophthisis 7. Last evaluated: 2022-05-03. Review status: criteria provided, single submitter. Criteria: ACMG Guidelines, 2015. Collection method: clinical testing. Allele origin: unknown.

NM_032575.3(GLIS2):c.1129G>A (p.Gly377Ser)

Gene: GLIS2 (GLIS family zinc finger 2; plus strand). Cytogenetic location: 16p13.3.
Variant type: single nucleotide variant.
Coding change: c.1129G>A on transcript NM_032575.3 (MANE Select); coding-DNA position 1129, G replaced by A.
Protein change: p.Gly377Ser; replaces glycine 377 with serine.
Molecular consequence: missense variant.
Genome position (GRCh38, 1-based): chr16:4,337,078, G>A. VCF-style: chr16-4337078-G-A. GRCh37 (hg19) VCF-style: chr16-4387079-G-A.
Other names: c.1129G>A, p.Gly377Ser (NM_001318918.2); c.1129G>A (NM_032575.2); short protein forms G377S.
Identifiers: ClinVar variation 1367895 (VCV001367895.6), dbSNP rs758967813, ClinGen allele CA7873202.